The following is an entry in ClinVar:

ClinVar aggregate classification (germline): Uncertain significance. Review status: criteria provided, multiple submitters, no conflicts (2 of 4 stars). 2 submissions from 2 submitters: Uncertain significance (2). Last evaluated 2022-06-26.

Allele frequency attached by ClinVar (database versions not stated): gnomAD exomes below 0.00001; TOPMed 0.00001.

Submissions (2):

Labcorp Genetics (formerly Invitae), Labcorp
Classification: Uncertain significance. Last evaluated: 2022-06-26. Review status: criteria provided, single submitter. Criteria: Invitae Variant Classification Sherloc (09022015). Collection method: clinical testing. Allele origin: germline.
Comment: In summary, the available evidence is currently insufficient to determine the role of this variant in disease. Therefore, it has been classified as a Variant of Uncertain Significance. Algorithms developed to predict the effect of missense changes on protein structure and function are either unavailable or do not agree on the potential impact of this missense change (SIFT: "Deleterious"; PolyPhen-2: "Benign"; Align-GVGD: "Class C0"). ClinVar contains an entry for this variant (Variation ID: 1321721). This variant has not been reported in the literature in individuals affected with WHSC1-related conditions. This variant is not present in population databases (gnomAD no frequency). This sequence change replaces serine, which is neutral and polar, with glycine, which is neutral and non-polar, at codon 614 of the WHSC1 protein (p.Ser614Gly).

GeneDx
Classification: Uncertain significance. Last evaluated: 2021-04-19. Review status: criteria provided, single submitter. Criteria: GeneDx Variant Classification Process June 2021. Collection method: clinical testing. Allele origin: germline. Affected: yes.
Comment: In silico analysis supports that this missense variant does not alter protein structure/function; Has not been previously published as pathogenic or benign to our knowledge

NM_001042424.3(NSD2):c.1840A>G (p.Ser614Gly)

Gene: NSD2 (nuclear receptor binding SET domain protein 2; plus strand). Cytogenetic location: 4p16.3.
Variant type: single nucleotide variant.
Coding change: c.1840A>G on transcript NM_001042424.3 (MANE Select); coding-DNA position 1840, A replaced by G.
Protein change: p.Ser614Gly; replaces serine 614 with glycine.
Molecular consequence: missense variant.
Genome position (GRCh38, 1-based): chr4:1,939,737, A>G. VCF-style: chr4-1939737-A-G. GRCh37 (hg19) VCF-style: chr4-1941464-A-G.
Other names: c.1840A>G, p.Ser614Gly (NM_007331.2, NM_133330.3, NM_133331.3 and 2 more transcripts); short protein forms S614G.
Identifiers: ClinVar variation 1321721 (VCV001321721.6), dbSNP rs1560711465, ClinGen allele CA355980326.